The following is an entry in ClinVar:

NM_000642.3(AGL):c.1185+1G>T

Gene: AGL (amylo-alpha-1,6-glucosidase and 4-alpha-glucanotransferase; plus strand). Cytogenetic location: 1p21.2.
Variant type: single nucleotide variant.
Coding change: c.1185+1G>T on transcript NM_000642.3 (MANE Select); the canonical splice donor site of the intron after coding-DNA position 1185, G replaced by T.
Molecular consequence: splice donor variant. On other transcripts: intron variant (1).
Genome position (GRCh38, 1-based): chr1:99,875,257, G>T. VCF-style: chr1-99875257-G-T. GRCh37 (hg19) VCF-style: chr1-100340813-G-T.
Other names: c.1185+1G>T (NM_000643.3, NM_000644.3, NM_001425326.1 and 2 more transcripts); c.1137+1G>T (NM_000646.3); c.1082+447G>T (NM_001425327.1); c.981+1G>T (NM_001425328.1, NM_001425329.1); c.807+1G>T (NM_001425332.1).
Identifiers: ClinVar variation 4777879 (VCV004777879.1).
Genomic context (GRCh38, chr1:99,875,257, plus strand): 5'-AAAAGAATGGAGGAATTAAATTCAGAGAAGCATCGACTCATTAACTATCATCAGGAACAG[G>T]TTTTACTTATTTTTGAACTGCTGCTTTTCCTTGCATCTTACTACTATTTTTTTGTTGTCT-3'

ClinVar aggregate classification (germline): Likely pathogenic (1 of 4 stars; one submission).

Conditions:
Glycogen storage disease type III (GSD3). Also called: FORBES DISEASE; Cori disease. Identifiers: Orphanet 366, MedGen C0017922, MONDO:0009291, OMIM 232400.

Submission:

Labcorp Genetics (formerly Invitae), Labcorp
Classification: Likely pathogenic for Glycogen storage disease type III. Last evaluated: 2026-01-22. Review status: criteria provided, single submitter. Criteria: Invitae Variant Classification Sherloc (09022015). Collection method: clinical testing. Allele origin: germline.
Comment: This sequence change affects a donor splice site in intron 9 of the AGL gene. It is expected to disrupt RNA splicing. Variants that disrupt the donor or acceptor splice site typically lead to a loss of protein function (PMID: 16199547), and loss-of-function variants in AGL are known to be pathogenic (PMID: 19299494). This variant is not present in population databases (gnomAD no frequency). This variant has not been reported in the literature in individuals affected with AGL-related conditions. Algorithms developed to predict the effect of sequence changes on RNA splicing suggest that this variant may disrupt the consensus splice site. In summary, the currently available evidence indicates that the variant is pathogenic, but additional data are needed to prove that conclusively. Therefore, this variant has been classified as Likely Pathogenic.

Literature cited by the submitters: PubMed 16199547; PubMed 19299494.